The following is an entry in ClinVar:

NM_013322.3(SNX10):c.22G>A (p.Glu8Lys)

Gene: SNX10 (sorting nexin 10; plus strand). Cytogenetic location: 7p15.2.
Variant type: single nucleotide variant.
Coding change: c.22G>A on transcript NM_013322.3 (MANE Select); coding-DNA position 22, G replaced by A.
Protein change: p.Glu8Lys; replaces glutamic acid 8 with lysine.
Molecular consequence: missense variant. On other transcripts: 5 prime UTR variant (3).
Genome position (GRCh38, 1-based): chr7:26,346,464, G>A. VCF-style: chr7-26346464-G-A. GRCh37 (hg19) VCF-style: chr7-26386084-G-A.
Other names: c.22G>A, p.Glu8Lys (NM_001199835.1, NM_001318199.3); c.-22G>A (NM_001318198.1, NM_001362754.1); c.-150G>A (NM_001362753.1); short protein forms E8K.
Identifiers: ClinVar variation 1358690 (VCV001358690.8), dbSNP rs1788391863, ClinGen allele CA367227463.

ClinVar aggregate classification (germline): Uncertain significance (1 of 4 stars; one submission).

gnomAD v4.1: 2 of 1,605,862 alleles (0.00012%); highest among the groups gnomAD compares: Admixed American, 0.0017%; no homozygotes.

Submission:

Labcorp Genetics (formerly Invitae), Labcorp
Classification: Uncertain significance. Last evaluated: 2022-08-10. Review status: criteria provided, single submitter. Criteria: Invitae Variant Classification Sherloc (09022015). Collection method: clinical testing. Allele origin: germline.
Comment: In summary, the available evidence is currently insufficient to determine the role of this variant in disease. Therefore, it has been classified as a Variant of Uncertain Significance. Algorithms developed to predict the effect of missense changes on protein structure and function (SIFT, PolyPhen-2, Align-GVGD) all suggest that this variant is likely to be tolerated. ClinVar contains an entry for this variant (Variation ID: 1358690). This variant has not been reported in the literature in individuals affected with SNX10-related conditions. This variant is not present in population databases (gnomAD no frequency). This sequence change replaces glutamic acid, which is acidic and polar, with lysine, which is basic and polar, at codon 8 of the SNX10 protein (p.Glu8Lys).